The following is an entry in ClinVar:

NM_001358689.2(TUBB8B):c.762C>T (p.Ala254=)

Gene: TUBB8B (tubulin beta 8B; minus strand). Cytogenetic location: 18p11.32.
Variant type: single nucleotide variant.
Coding change: c.762C>T on transcript NM_001358689.2 (MANE Select); coding-DNA position 762, C replaced by T.
Protein change: p.Ala254=; no amino-acid change (alanine 254 retained).
Molecular consequence: synonymous variant.
Genome position (GRCh38, 1-based): chr18:47,963, G>A on the plus strand (C>T on the coding strand, the complement: TUBB8B is on the minus strand). VCF-style: chr18-47963-G-A. GRCh37 (hg19) VCF-style: chr18-47963-G-A.
Other names: c.546C>T, p.Ala182= (NM_001389609.1); c.609C>T, p.Ala203= (NM_001389610.1).
Identifiers: ClinVar variation 2648506 (VCV002648506.24), dbSNP rs766957270, ClinGen allele CA8864913.

ClinVar aggregate classification (germline): Likely benign (1 of 4 stars; one submission).

Allele frequency attached by ClinVar (database versions not stated): gnomAD 0.00003; ExAC 0.00008.

Submission:

CeGaT Center for Human Genetics Tuebingen
Classification: Likely benign. Last evaluated: 2022-08-01. Review status: criteria provided, single submitter. Criteria: CeGaT Center For Human Genetics Tuebingen Variant Classification Criteria Version 2. Collection method: clinical testing. Allele origin: germline. Affected: yes. Observed: 1 variant allele.
Comment: TUBB8B: BP4, BP7